The following is an entry in ClinVar:

NM_000094.4(COL7A1):c.7967G>T (p.Gly2656Val)

Gene: COL7A1 (collagen type VII alpha 1 chain; minus strand). Cytogenetic location: 3p21.31.
Variant type: single nucleotide variant.
Coding change: c.7967G>T on transcript NM_000094.4 (MANE Select); coding-DNA position 7967, G replaced by T.
Protein change: p.Gly2656Val; replaces glycine 2656 with valine.
Molecular consequence: missense variant.
Genome position (GRCh38, 1-based): chr3:48,567,726, C>A on the plus strand (G>T on the coding strand, the complement: COL7A1 is on the minus strand). VCF-style: chr3-48567726-C-A. GRCh37 (hg19) VCF-style: chr3-48605159-C-A.
Other names: short protein forms G2656V.
Identifiers: ClinVar variation 1404264 (VCV001404264.13), dbSNP rs557951372, ClinGen allele CA2378228.

ClinVar aggregate classification (germline): Conflicting classifications of pathogenicity. Review status: criteria provided, conflicting classifications (1 of 4 stars). 2 submissions from 2 submitters: Likely pathogenic (1); Uncertain significance (1). Last evaluated 2026-01-16.

Allele frequency attached by ClinVar (database versions not stated): gnomAD exomes below 0.00001; ExAC 0.00001; gnomAD 0.00001; 1000 Genomes Project 30x 0.00016; 1000 Genomes Project 0.00020.
gnomAD v4.1: 2 of 1,614,094 alleles (0.00012%); highest among the groups gnomAD compares: African/African-American, 0.0013%; no homozygotes.

Submissions (2):

Women's Health and Genetics/Laboratory Corporation of America, LabCorp
Classification: Uncertain significance. Last evaluated: 2026-01-16. Review status: criteria provided, single submitter. Criteria: LabCorp Variant Classification Summary - May 2015. Collection method: clinical testing. Allele origin: germline.
Comment: Variant summary: COL7A1 c.7967G>T (p.Gly2656Val) results in a non-conservative amino acid change in the encoded protein sequence. Algorithms developed to predict the effect of missense changes on protein structure and function all suggest that this variant is likely to be disruptive. This variant disrupts the triple helix domain of COL7A1. Glycine residues within the Gly-Xaa-Yaa repeats of the triple helix domain are required for the structure and stability of fibrillar collagens (PMID: 7695699, 8218237, 19344236). The variant allele was found at a frequency of 4e-06 in 251214 control chromosomes. c.7967G>T has been observed in at least one compound heterozygous individual affected with Dystrophic Epidermolysis Bullosa, Recessive (e.g. Almaani_2011). These data do not allow any conclusion about variant significance. To our knowledge, no experimental evidence demonstrating an impact on protein function has been reported. The following publication has been ascertained in the context of this evaluation (PMID: 21448560). ClinVar contains an entry for this variant (Variation ID: 1404264). Based on the evidence outlined above, the variant was classified as VUS-possibly pathogenic.

Labcorp Genetics (formerly Invitae), Labcorp
Classification: Likely pathogenic. Last evaluated: 2023-12-18. Review status: criteria provided, single submitter. Criteria: Invitae Variant Classification Sherloc (09022015). Collection method: clinical testing. Allele origin: germline.
Comment: This sequence change replaces glycine, which is neutral and non-polar, with valine, which is neutral and non-polar, at codon 2656 of the COL7A1 protein (p.Gly2656Val). This variant is present in population databases (rs557951372, gnomAD 0.003%). This missense change has been observed in individual(s) with autosomal recessive dystrophic epidermolysis bullosa (PMID: 21448560). ClinVar contains an entry for this variant (Variation ID: 1404264). Advanced modeling of protein sequence and biophysical properties (such as structural, functional, and spatial information, amino acid conservation, physicochemical variation, residue mobility, and thermodynamic stability) performed at Invitae indicates that this missense variant is expected to disrupt COL7A1 protein function with a positive predictive value of 95%. This variant disrupts the triple helix domain of COL7A1. Glycine residues within the Gly-Xaa-Yaa repeats of the triple helix domain are required for the structure and stability of fibrillar collagens (PMID: 7695699, 8218237, 19344236), and variants at these glycine residues in COL7A1 are more frequently observed in individuals with disease than in the general population (PMID: 22058051). However, the clinical significance of this observation remains uncertain since only a limited number of affected individuals have been described to date. In summary, the currently available evidence indicates that the variant is pathogenic, but additional data are needed to prove that conclusively. Therefore, this variant has been classified as Likely Pathogenic.

Literature cited by the submitters: PubMed 21448560 (cited by Women's Health and Genetics/Laboratory Corporation of America, LabCorp and Labcorp Genetics (formerly Invitae), Labcorp); PubMed 7695699 (cited by Labcorp Genetics (formerly Invitae), Labcorp); PubMed 8218237 (cited by Labcorp Genetics (formerly Invitae), Labcorp); PubMed 19344236 (cited by Labcorp Genetics (formerly Invitae), Labcorp); PubMed 22058051 (cited by Labcorp Genetics (formerly Invitae), Labcorp).